The following is an entry in ClinVar:

ClinVar aggregate classification (germline): Uncertain significance (1 of 4 stars; one submission).

Conditions:
PLXNA2-related disorder. Also called: PLXNA2-related condition.

Submission:

PreventionGenetics, part of Exact Sciences
Classification: Uncertain significance for PLXNA2-related condition. Last evaluated: 2026-08-28. Review status: criteria provided, single submitter. Criteria: ACMG Guidelines, 2015. Collection method: clinical testing. Allele origin: germline.
Comment: The PLXNA2 c.3351T>A variant is predicted to result in the amino acid substitution p.Asp1117Glu. To our knowledge, this variant has not been reported in the literature or in a large population database (gnomAD), indicating this variant is rare. At this time, the clinical significance of this variant is uncertain due to the absence of conclusive functional and genetic evidence.

NM_025179.4(PLXNA2):c.3351T>A (p.Asp1117Glu)

Gene: PLXNA2 (plexin A2; minus strand). Cytogenetic location: 1q32.2.
Variant type: single nucleotide variant.
Coding change: c.3351T>A on transcript NM_025179.4 (MANE Select); coding-DNA position 3351, T replaced by A.
Protein change: p.Asp1117Glu; replaces aspartic acid 1117 with glutamic acid.
Molecular consequence: missense variant.
Genome position (GRCh38, 1-based): chr1:208,046,022, A>T on the plus strand (T>A on the coding strand, the complement: PLXNA2 is on the minus strand). VCF-style: chr1-208046022-A-T. GRCh37 (hg19) VCF-style: chr1-208219367-A-T.
Other names: short protein forms D1117E.
Identifiers: ClinVar variation 4991694 (VCV004991694.1).